The following is an entry in ClinVar:

NM_020949.3(SLC7A14):c.1565C>T (p.Ala522Val)

Genes: SLC7A14 (solute carrier family 7 member 14; minus strand), SLC7A14-AS1 (SLC7A14 antisense RNA 1; plus strand). Cytogenetic location: 3q26.2.
Variant type: single nucleotide variant.
Coding change: c.1565C>T on transcript NM_020949.3 (MANE Select); coding-DNA position 1565, C replaced by T.
Protein change: p.Ala522Val; replaces alanine 522 with valine.
Molecular consequence: missense variant.
Genome position (GRCh38, 1-based): chr3:170,480,717, G>A on the plus strand (C>T on the coding strand, the complement: SLC7A14 is on the minus strand). VCF-style: chr3-170480717-G-A. GRCh37 (hg19) VCF-style: chr3-170198506-G-A.
Other names: short protein forms A522V.
Identifiers: ClinVar variation 855647 (VCV000855647.14), dbSNP rs545083036, ClinGen allele CA2701603.
Genomic context (GRCh38, chr3:170,480,717, plus strand): 5'-TAATAATGAGGCCCAATCAGCTTCTTTAACTTGATGAGATAAATATTTTCGGATTCATCA[G>A]CTTCTATGCCTGTGGTCATGTCCACGGTGCCGTAATTGGGGTGGTTGACGTTGTAGGTTG-3'
Protein context (NP_066000.2, residues 512-532): GTVDMTTGIE[Ala522Val]DESENIYLIK

ClinVar aggregate classification (germline): Uncertain significance. Review status: criteria provided, multiple submitters, no conflicts (2 of 4 stars). 3 submissions from 3 submitters: Uncertain significance (3). Last evaluated 2026-01-04.

Allele frequency attached by ClinVar (database versions not stated): gnomAD 0.00003 and 0.00004; TOPMed 0.00005; ExAC 0.00006; gnomAD exomes 0.00006 and 0.00011.
gnomAD v4.1: 164 of 1,614,088 alleles (0.01%); highest among the groups gnomAD compares: Non-Finnish European, 0.013%; no homozygotes.

Submissions (3):

Labcorp Genetics (formerly Invitae), Labcorp
Classification: Uncertain significance. Last evaluated: 2026-01-04. Review status: criteria provided, single submitter. Criteria: Invitae Variant Classification Sherloc (09022015). Collection method: clinical testing. Allele origin: germline.
Comment: This sequence change replaces alanine, which is neutral and non-polar, with valine, which is neutral and non-polar, at codon 522 of the SLC7A14 protein (p.Ala522Val). This variant is present in population databases (rs545083036, gnomAD 0.01%). This variant has not been reported in the literature in individuals affected with SLC7A14-related conditions. ClinVar contains an entry for this variant (Variation ID: 855647). An algorithm developed to predict the effect of missense changes on protein structure and function (PolyPhen-2) suggests that this variant is likely to be tolerated. In summary, the available evidence is currently insufficient to determine the role of this variant in disease. Therefore, it has been classified as a Variant of Uncertain Significance.

Ambry Genetics
Classification: Uncertain significance. Last evaluated: 2025-07-02. Review status: criteria provided, single submitter. Criteria: Ambry Variant Classification Scheme 2023. Collection method: clinical testing. Allele origin: germline.

Blueprint Genetics
Classification: Uncertain significance. Last evaluated: 2024-08-02. Review status: criteria provided, single submitter. Criteria: ACMG Guidelines, 2015. Collection method: clinical testing. Allele origin: germline.